The following is an entry in ClinVar:

ClinVar aggregate classification (germline): Uncertain significance (1 of 4 stars; one submission).

Conditions:
Familial thoracic aortic aneurysm and aortic dissection (TAAD). Also called: Thoracic aortic aneurysms and dissections. Identifiers: Orphanet 91387, MedGen C4707243, MONDO:0019625.

Submission:

Ambry Genetics
Classification: Uncertain significance for Familial thoracic aortic aneurysm and aortic dissection. Last evaluated: 2025-05-14. Review status: criteria provided, single submitter. Criteria: Ambry Variant Classification Scheme 2023. Collection method: clinical testing. Allele origin: germline.
Comment: The p.D294V variant (also known as c.881A>T), located in coding exon 7 of the ACTA2 gene, results from an A to T substitution at nucleotide position 881. The aspartic acid at codon 294 is replaced by valine, an amino acid with highly dissimilar properties. This amino acid position is highly conserved in available vertebrate species. In addition, this alteration is predicted to be deleterious by in silico analysis. Based on the available evidence, the clinical significance of this variant remains unclear.

NM_001613.4(ACTA2):c.881A>T (p.Asp294Val)

Genes: ACTA2 (actin alpha 2, smooth muscle; minus strand), ACTA2-AS1 (ACTA2 antisense RNA 1; plus strand). Cytogenetic location: 10q23.31.
Variant type: single nucleotide variant.
Coding change: c.881A>T on transcript NM_001613.4 (MANE Select); coding-DNA position 881, A replaced by T.
Protein change: p.Asp294Val; replaces aspartic acid 294 with valine.
Molecular consequence: missense variant.
Genome position (GRCh38, 1-based): chr10:88,938,170, T>A on the plus strand (A>T on the coding strand, the complement: ACTA2 is on the minus strand). VCF-style: chr10-88938170-T-A. GRCh37 (hg19) VCF-style: chr10-90697927-T-A.
Other names: c.881A>T, p.Asp294Val (NM_001141945.3, NM_001320855.2, NM_001406462.1 and 2 more transcripts); c.770A>T, p.Asp257Val (NM_001406466.1); c.752A>T, p.Asp251Val (NM_001406467.1, NM_001406468.1, NM_001406469.1); c.689A>T, p.Asp230Val (NM_001406471.1); short protein forms D230V, D257V, D294V, D251V.
Identifiers: ClinVar variation 4001441 (VCV004001441.1).